The following is an entry in ClinVar:

ClinVar aggregate classification (germline): Uncertain significance (1 of 4 stars; one submission).

Submission:

Labcorp Genetics (formerly Invitae), Labcorp
Classification: Uncertain significance. Last evaluated: 2025-09-14. Review status: criteria provided, single submitter. Criteria: Invitae Variant Classification Sherloc (09022015). Collection method: clinical testing. Allele origin: germline.
Comment: This sequence change replaces threonine, which is neutral and polar, with isoleucine, which is neutral and non-polar, at codon 325 of the DHX32 protein (p.Thr325Ile). This variant is not present in population databases (gnomAD no frequency). This variant has not been reported in the literature in individuals affected with DHX32-related conditions. An algorithm developed to predict the effect of missense changes on protein structure and function (PolyPhen-2) suggests that this variant is likely to be tolerated. In summary, the available evidence is currently insufficient to determine the role of this variant in disease. Therefore, it has been classified as a Variant of Uncertain Significance.

NM_018180.3(DHX32):c.974C>T (p.Thr325Ile)

Gene: DHX32 (DEAH-box helicase 32 (putative); minus strand). Cytogenetic location: 10q26.2.
Variant type: single nucleotide variant.
Coding change: c.974C>T on transcript NM_018180.3 (MANE Select); coding-DNA position 974, C replaced by T.
Protein change: p.Thr325Ile; replaces threonine 325 with isoleucine.
Molecular consequence: missense variant.
Genome position (GRCh38, 1-based): chr10:125,854,079, G>A on the plus strand (C>T on the coding strand, the complement: DHX32 is on the minus strand). VCF-style: chr10-125854079-G-A. GRCh37 (hg19) VCF-style: chr10-127542648-G-A.
Other names: short protein forms T325I.
Identifiers: ClinVar variation 4727116 (VCV004727116.1).
Genomic context (GRCh38, chr10:125,854,079, plus strand): 5'-AACTCTCCAGAGCTAGTAGTTAACACCACTCTTCTTTGATAAACTTGGCATCTTTTTTCT[G>A]TTTCATCGAGTGGCTTGAACAATGAACATTTCTCTTTTGGATACAAAGGAACAACCACCA-3'
Protein context (NP_060650.2, residues 315-335): KCSLFKPLDE[Thr325Ile]EKRCQVYQRR